The following is an entry in ClinVar:

ClinVar aggregate classification (germline): Uncertain significance (1 of 4 stars; one submission).

Conditions:
Autosomal recessive limb-girdle muscular dystrophy type 2P. Also called: Limb-Girdle Muscular Dystrophy Type 9C; MUSCULAR DYSTROPHY, LIMB-GIRDLE, TYPE 2P; MUSCULAR DYSTROPHY-DYSTROGLYCANOPATHY, LIMB-GIRDLE, DAG1-RELATED. Identifiers: Orphanet 280333, MedGen C4511963, MONDO:0013440, OMIM 613818.
Muscular dystrophy-dystroglycanopathy (congenital with brain and eye anomalies), type A9. Also called: Muscular dystrophy-dystroglycanopathy (congenital with brain and eye anomalies), type a, 9; WALKER-WARBURG SYNDROME OR MUSCLE-EYE BRAIN DISEASE, DAG1-RELATED. Identifiers: Orphanet 370997, Orphanet 899, MedGen C4225291, MONDO:0014683, OMIM 616538.

Allele frequency attached by ClinVar (database versions not stated): gnomAD exomes below 0.00001.

Submission:

Labcorp Genetics (formerly Invitae), Labcorp
Classification: Uncertain significance for Autosomal recessive limb-girdle muscular dystrophy type 2P; Muscular dystrophy-dystroglycanopathy (congenital with brain and eye anomalies), type A9. Last evaluated: 2022-10-24. Review status: criteria provided, single submitter. Criteria: Invitae Variant Classification Sherloc (09022015). Collection method: clinical testing. Allele origin: germline.
Comment: ClinVar contains an entry for this variant (Variation ID: 1360592). This variant has not been reported in the literature in individuals affected with DAG1-related conditions. This variant is present in population databases (no rsID available, gnomAD 0.003%). This sequence change replaces proline, which is neutral and non-polar, with serine, which is neutral and polar, at codon 419 of the DAG1 protein (p.Pro419Ser). In summary, the available evidence is currently insufficient to determine the role of this variant in disease. Therefore, it has been classified as a Variant of Uncertain Significance. Advanced modeling of protein sequence and biophysical properties (such as structural, functional, and spatial information, amino acid conservation, physicochemical variation, residue mobility, and thermodynamic stability) performed at Invitae indicates that this missense variant is not expected to disrupt DAG1 protein function.

NM_004393.6(DAG1):c.1255C>T (p.Pro419Ser)

Gene: DAG1 (dystroglycan 1; plus strand). Cytogenetic location: 3p21.31.
Variant type: single nucleotide variant.
Coding change: c.1255C>T on transcript NM_004393.6 (MANE Select); coding-DNA position 1255, C replaced by T.
Protein change: p.Pro419Ser; replaces proline 419 with serine.
Molecular consequence: missense variant.
Genome position (GRCh38, 1-based): chr3:49,531,766, C>T. VCF-style: chr3-49531766-C-T. GRCh37 (hg19) VCF-style: chr3-49569199-C-T.
Other names: c.1255C>T, p.Pro419Ser (NM_001165928.4, NM_001177634.3, NM_001177635.3 and 9 more transcripts); short protein forms P419S.
Identifiers: ClinVar variation 1360592 (VCV001360592.10), dbSNP rs1263472474, ClinGen allele CA352795029.
Genomic context (GRCh38, chr3:49,531,766, plus strand): 5'-GGCCAGATTCGCCCAACGATGACCATTCCTGGCTATGTGGAGCCTACTGCAGTTGCTACC[C>T]CTCCCACAACCACCACCAAGAAGCCACGAGTATCCACACCAAAACCAGCAACGCCTTCAA-3'
Protein context (NP_004384.5, residues 409-429): GYVEPTAVAT[Pro419Ser]PTTTTKKPRV